The following is an entry in ClinVar:

NM_054027.6(ANKH):c.*1814G>A

Genes: OTULIN (OTU deubiquitinase with linear linkage specificity; plus strand), ANKH (ANKH inorganic pyrophosphate transport regulator; minus strand). Cytogenetic location: 5p15.2.
Variant type: single nucleotide variant.
Coding change: c.*1814G>A on transcript NM_054027.6 (MANE Select); 1814 bases downstream of the stop codon, G replaced by A.
Molecular consequence: 3 prime UTR variant.
Genome position (GRCh38, 1-based): chr5:14,709,383, C>T on the plus strand (G>A on the coding strand, the complement: ANKH is on the minus strand). VCF-style: chr5-14709383-C-T. GRCh37 (hg19) VCF-style: chr5-14709492-C-T.
Identifiers: ClinVar variation 351461 (VCV000351461.5), dbSNP rs183138464, ClinGen allele CA10620498.

ClinVar aggregate classification (germline): Benign. Review status: criteria provided, single submitter (1 of 4 stars). 2 submissions from 1 submitter: Benign (2). Last evaluated 2018-01-13.

Conditions:
Chondrocalcinosis 2. Also called: CALCIUM GOUT; CALCIUM PYROPHOSPHATE ARTHROPATHY; Familial calcium pyrophosphate deposition. Identifiers: Orphanet 1416, MedGen C0856830, MONDO:0007319, OMIM 118600.
Craniometaphyseal dysplasia, autosomal dominant (CMDD). Identifiers: Orphanet 1522, MedGen C1852502, MONDO:0007397, OMIM 123000.

Allele frequency attached by ClinVar (database versions not stated): 1000 Genomes Project 0.00300; gnomAD 0.00340 and 0.00367; 1000 Genomes Project 30x 0.00375; TOPMed 0.00378.

Submissions (2):

Illumina Laboratory Services, Illumina
Classification: Benign for Craniometaphyseal dysplasia, autosomal dominant. Last evaluated: 2018-01-13. Review status: criteria provided, single submitter. Criteria: ICSL Variant Classification Criteria 13 December 2019. Collection method: clinical testing. Allele origin: germline.
Comment: This variant was observed in the ICSL laboratory as part of a predisposition screen in an ostensibly healthy population. It had not been previously curated by ICSL or reported in the Human Gene Mutation Database (HGMD: prior to June 1st, 2018), and was therefore a candidate for classification through an automated scoring system. Utilizing variant allele frequency, disease prevalence and penetrance estimates, and inheritance mode, an automated score was calculated to assess if this variant is too frequent to cause the disease. Based on the score and internal cut-off values, a variant classified as benign is not then subjected to further curation. The score for this variant resulted in a classification of benign for this disease.

Illumina Laboratory Services, Illumina
Classification: Benign for Chondrocalcinosis 2. Last evaluated: 2018-01-13. Review status: criteria provided, single submitter. Criteria: ICSL Variant Classification Criteria 13 December 2019. Collection method: clinical testing. Allele origin: germline.
Comment: the same text as in the submission from Illumina Laboratory Services, Illumina above.